The following is an entry in ClinVar:

NM_005518.4(HMGCS2):c.1021C>A (p.Leu341Ile)

Gene: HMGCS2 (3-hydroxy-3-methylglutaryl-CoA synthase 2; minus strand). Cytogenetic location: 1p12.
Variant type: single nucleotide variant.
Coding change: c.1021C>A on transcript NM_005518.4 (MANE Select); coding-DNA position 1021, C replaced by A.
Protein change: p.Leu341Ile; replaces leucine 341 with isoleucine.
Molecular consequence: missense variant.
Genome position (GRCh38, 1-based): chr1:119,755,593, G>T on the plus strand (C>A on the coding strand, the complement: HMGCS2 is on the minus strand). VCF-style: chr1-119755593-G-T. GRCh37 (hg19) VCF-style: chr1-120298216-G-T.
Other names: c.895C>A, p.Leu299Ile (NM_001166107.1); short protein forms L299I, L341I.
Identifiers: ClinVar variation 4750691 (VCV004750691.1).

ClinVar aggregate classification (germline): Uncertain significance (1 of 4 stars; one submission).

Conditions:
3-hydroxy-3-methylglutaryl-CoA synthase deficiency (HMGCS2D). Also called: MITOCHONDRIAL HMG-CoA SYNTHASE DEFICIENCY; HMG-CoA synthase-2 deficiency; HMGCS2 DEFICIENCY. Identifiers: Orphanet 35701, MedGen C2751532, MONDO:0011614, OMIM 605911.

Submission:

Labcorp Genetics (formerly Invitae), Labcorp
Classification: Uncertain significance for 3-hydroxy-3-methylglutaryl-CoA synthase deficiency. Last evaluated: 2025-08-15. Review status: criteria provided, single submitter. Criteria: Invitae Variant Classification Sherloc (09022015). Collection method: clinical testing. Allele origin: germline.
Comment: This sequence change replaces leucine, which is neutral and non-polar, with isoleucine, which is neutral and non-polar, at codon 341 of the HMGCS2 protein (p.Leu341Ile). This variant is not present in population databases (gnomAD no frequency). This variant has not been reported in the literature in individuals affected with HMGCS2-related conditions. An algorithm developed to predict the effect of missense changes on protein structure and function (PolyPhen-2) suggests that this variant is likely to be tolerated. In summary, the available evidence is currently insufficient to determine the role of this variant in disease. Therefore, it has been classified as a Variant of Uncertain Significance.